The following is an entry in ClinVar:

ClinVar aggregate classification (germline): Likely benign (0 of 4 stars; one submission).

Conditions:
MC4R-related disorder. Also called: MC4R-related condition.

gnomAD v4.1: 2 of 1,614,088 alleles (0.00012%); highest among the groups gnomAD compares: Non-Finnish European, 0.00017%; no homozygotes.

Submission:

PreventionGenetics, part of Exact Sciences
Classification: Likely benign for MC4R-related condition. Last evaluated: 2022-02-05. Review status: no assertion criteria provided. Collection method: clinical testing. Allele origin: germline.
Comment: This variant is classified as likely benign based on ACMG/AMP sequence variant interpretation guidelines (Richards et al. 2015 PMID: 25741868, with internal and published modifications).

NM_005912.3(MC4R):c.849C>T (p.His283=)

Gene: MC4R (melanocortin 4 receptor; minus strand). Cytogenetic location: 18q21.32.
Variant type: single nucleotide variant.
Coding change: c.849C>T on transcript NM_005912.3 (MANE Select); coding-DNA position 849, C replaced by T.
Protein change: p.His283=; no amino-acid change (histidine 283 retained).
Molecular consequence: synonymous variant.
Genome position (GRCh38, 1-based): chr18:60,371,501, G>A on the plus strand (C>T on the coding strand, the complement: MC4R is on the minus strand). VCF-style: chr18-60371501-G-A. GRCh37 (hg19) VCF-style: chr18-58038734-G-A.
Identifiers: ClinVar variation 3356232 (VCV003356232.1).